The following is an entry in ClinVar:

NM_001382567.1(STIM1):c.1634+200dup

Gene: STIM1 (stromal interaction molecule 1; plus strand). Cytogenetic location: 11p15.4.
Variant type: Duplication.
Coding change: c.1634+200dup on transcript NM_001382567.1 (MANE Select); 200 bases into the intron after coding-DNA position 1634, one base duplicated (C; older notation c.1634+200dupC).
Molecular consequence: intron variant. On other transcripts: frameshift variant (2).
Genome position (GRCh38, 1-based): chr11:4,086,743, C duplicated; the last of 2 consecutive C bases (chr11:4,086,742-4,086,743); duplicating either gives the same sequence. VCF-style (leftmost placement, unchanged base first): chr11-4086741-T-TC. GRCh37 (hg19) VCF-style: chr11-4107971-T-TC.
Other names: c.1741dup, p.His581fs (NM_001277961.3); c.1519dup, p.His507fs (NM_001382566.1); c.1319+200dup (NM_001382578.1, NM_001382575.1, NM_001382576.1 and 2 more transcripts); c.1052+200dup (NM_001382580.1, NM_001382581.1); c.1562+200dup (NM_001382568.1); c.1541+200dup (NM_001277962.2, NM_003156.4); c.1313+200dup (NM_001382570.1); c.1406+200dup (NM_001382569.1); and 1 more; short protein forms H507fs, H581fs.
Identifiers: ClinVar variation 4888159 (VCV004888159.1).

ClinVar aggregate classification (germline): Uncertain significance (1 of 4 stars; one submission).

Submission:

GeneDx
Classification: Uncertain significance. Last evaluated: 2026-02-18. Review status: criteria provided, single submitter. Criteria: GeneDx Variant Classification Process June 2021. Collection method: clinical testing. Allele origin: germline.
Comment: Not observed at significant frequency in large population cohorts (gnomAD); Has not been previously published as pathogenic or benign to our knowledge; Reported using an alternate transcript of the gene; Frameshift variant predicted to result in abnormal protein length as the last 211 amino acid(s) are replaced with 21 different amino acid(s) with an unclear effect on protein function